The following is an entry in ClinVar:

ClinVar aggregate classification (germline): Uncertain significance (1 of 4 stars; one submission).

Submission:

Labcorp Genetics (formerly Invitae), Labcorp
Classification: Uncertain significance. Last evaluated: 2025-08-31. Review status: criteria provided, single submitter. Criteria: Invitae Variant Classification Sherloc (09022015). Collection method: clinical testing. Allele origin: germline.
Comment: This variant, c.3340_3341insGAC, results in the insertion of 1 amino acid(s) of the ERCC6L2 protein (p.Glu1113_Gln1114insArg), but otherwise preserves the integrity of the reading frame. This variant is not present in population databases (gnomAD no frequency). This variant has not been reported in the literature in individuals affected with ERCC6L2-related conditions. In summary, the available evidence is currently insufficient to determine the role of this variant in disease. Therefore, it has been classified as a Variant of Uncertain Significance.

NM_020207.7(ERCC6L2):c.3307_3308insGAC (p.Glu1102_Gln1103insArg)

Gene: ERCC6L2 (ERCC excision repair 6 like 2; plus strand). Cytogenetic location: 9q22.32.
Variant type: Insertion.
Coding change: c.3307_3308insGAC on transcript NM_020207.7 (MANE Select); coding-DNA positions 3307 to 3308, GAC inserted.
Protein change: p.Glu1102_Gln1103insArg.
Molecular consequence: inframe insertion. On other transcripts: non-coding transcript variant (1).
Genome position: GRCh38 VCF-style: chr9-95973057-G-GCGA. GRCh37 (hg19) VCF-style: chr9-98735339-G-GCGA.
Other names: c.3307_3308insGAC, p.Glu1102_Gln1103insArg (NM_001375291.1, NM_001375292.1, NM_001375293.1 and 1 more transcripts).
Identifiers: ClinVar variation 4726433 (VCV004726433.1).
Genomic context (GRCh38, chr9:95,973,057, plus strand): 5'-TAGCACTTTTATTCCAAGAAAACCAATGAAATGTTCAAATGAGAAAGTTGTTAATCAAGA[G>GCGA]CAGTCGTATGAATCAATGGATAAATTTTTAGGTAACTAAAGACACATTCTCAAAACTTTA-3'